The following is an entry in ClinVar:

ClinVar aggregate classification (germline): Uncertain significance (1 of 4 stars; one submission).

Conditions:
Hypertrophic cardiomyopathy. Also called: HYPERTROPHIC MYOCARDIOPATHY. Identifiers: Orphanet 217569, MedGen C0007194, MeSH D002312, MONDO:0005045, HP:0001639.

Allele frequency attached by ClinVar (database versions not stated): gnomAD 0.00001; gnomAD exomes 0.00001 and 0.00002; TOPMed 0.00001; ExAC 0.00003.
gnomAD v4.1: 19 of 1,613,752 alleles (0.0012%); highest among the groups gnomAD compares: Non-Finnish European, 0.0015%; no homozygotes.

Submission:

Labcorp Genetics (formerly Invitae), Labcorp
Classification: Uncertain significance for Hypertrophic cardiomyopathy. Last evaluated: 2020-11-15. Review status: criteria provided, single submitter. Criteria: Invitae Variant Classification Sherloc (09022015). Collection method: clinical testing. Allele origin: germline.
Comment: This sequence change replaces glutamic acid with glycine at codon 420 of the MYOM1 protein (p.Glu420Gly). The glutamic acid residue is moderately conserved and there is a moderate physicochemical difference between glutamic acid and glycine. This variant is present in population databases (rs751057253, ExAC 0.006%). This variant has not been reported in the literature in individuals with MYOM1-related conditions. Algorithms developed to predict the effect of missense changes on protein structure and function are either unavailable or do not agree on the potential impact of this missense change (SIFT: "Tolerated"; PolyPhen-2: "Probably Damaging"; Align-GVGD: "Class C0"). In summary, the available evidence is currently insufficient to determine the role of this variant in disease. Therefore, it has been classified as a Variant of Uncertain Significance.

NM_003803.4(MYOM1):c.1259A>G (p.Glu420Gly)

Gene: MYOM1 (myomesin 1; minus strand). Cytogenetic location: 18p11.31.
Variant type: single nucleotide variant.
Coding change: c.1259A>G on transcript NM_003803.4 (MANE Select); coding-DNA position 1259, A replaced by G.
Protein change: p.Glu420Gly; replaces glutamic acid 420 with glycine.
Molecular consequence: missense variant.
Genome position (GRCh38, 1-based): chr18:3,168,897, T>C on the plus strand (A>G on the coding strand, the complement: MYOM1 is on the minus strand). VCF-style: chr18-3168897-T-C. GRCh37 (hg19) VCF-style: chr18-3168895-T-C.
Other names: c.1259A>G, p.Glu420Gly (NM_019856.2); short protein forms E420G.
Identifiers: ClinVar variation 1419431 (VCV001419431.8), dbSNP rs751057253, ClinGen allele CA8874998.
Genomic context (GRCh38, chr18:3,168,897, plus strand): 5'-TCTGGCTGGAAATGTTTAATTTCAGGAGTGATGACAACACGACAGCCTAGACTCATTGTC[T>C]CTCCCTCTCTCCCAAAAGACACATCAAATTTGTCATCAAAGTGGATCTCAAACCGGGATG-3'
Protein context (NP_003794.3, residues 410-430): KFDVSFGREG[Glu420Gly]TMSLGCRVVI